The following is an entry in ClinVar:

NM_000179.3(MSH6):c.3608_3631dup (p.Val1210_Leu1211insHisAlaThrAlaHisSerLeuVal)

Gene: MSH6 (mutS homolog 6; plus strand). Cytogenetic location: 2p16.3.
Variant type: Duplication.
Coding change: c.3608_3631dup on transcript NM_000179.3 (MANE Select); coding-DNA positions 3608 to 3631, 24 bases duplicated (ATGCAACAGCACATTCTCTGGTGC).
Protein change: p.Val1210_Leu1211insHisAlaThrAlaHisSerLeuVal.
Molecular consequence: non-coding transcript variant (on NR_176256.1).
Genome position (GRCh38, 1-based): chr2:47,805,669-47,805,692, ATGCAACAGCACATTCTCTGGTGC duplicated; duplicating any 24 consecutive bases within chr2:47,805,666-47,805,692 gives the same sequence; the c. name uses the placement nearest the transcript's 3' end. VCF-style (leftmost placement, unchanged base first): chr2-47805665-A-ATGCATGCAACAGCACATTCTCTGG. GRCh37 (hg19) VCF-style: chr2-48032804-A-ATGCATGCAACAGCACATTCTCTGG.
Other names: c.3218_3241dup, p.Val1080_Leu1081insHisAlaThrAlaHisSerLeuVal (NM_001281492.2); c.2702_2725dup, p.Val908_Leu909insHisAlaThrAlaHisSerLeuVal (NM_001281493.2, NM_001281494.2, NM_001406814.1 and 6 more transcripts); c.3704_3727dup, p.Val1242_Leu1243insHisAlaThrAlaHisSerLeuVal (NM_001406795.1, NM_001406802.1); c.3608_3631dup, p.Val1210_Leu1211insHisAlaThrAlaHisSerLeuVal (NM_001406796.1, NM_001406800.1, NM_001406808.1 and 1 more transcripts); c.3311_3334dup, p.Val1111_Leu1112insHisAlaThrAlaHisSerLeuVal (NM_001406797.1, NM_001406818.1, NM_001406819.1 and 10 more transcripts); c.3434_3457dup, p.Val1152_Leu1153insHisAlaThrAlaHisSerLeuVal (NM_001406798.1); c.3083_3106dup, p.Val1035_Leu1036insHisAlaThrAlaHisSerLeuVal (NM_001406799.1, NM_001406806.1, NM_001406807.1); c.3614_3637dup, p.Val1212_Leu1213insHisAlaThrAlaHisSerLeuVal (NM_001406813.1); and 7 more.
Identifiers: ClinVar variation 3630698 (VCV003630698.2).

ClinVar aggregate classification (germline): Uncertain significance (1 of 4 stars; one submission).

Conditions:
Hereditary nonpolyposis colorectal neoplasms. Identifiers: MedGen C0009405, MeSH D003123.

Submission:

Labcorp Genetics (formerly Invitae), Labcorp
Classification: Uncertain significance for Hereditary nonpolyposis colorectal neoplasms. Last evaluated: 2024-07-10. Review status: criteria provided, single submitter. Criteria: Invitae Variant Classification Sherloc (09022015). Collection method: clinical testing. Allele origin: germline.
Comment: This variant, c.3608_3631dup, results in the insertion of 8 amino acid(s) of the MSH6 protein (p.His1203_Val1210dup), but otherwise preserves the integrity of the reading frame. This variant is not present in population databases (gnomAD no frequency). This variant has not been reported in the literature in individuals affected with MSH6-related conditions. In summary, the available evidence is currently insufficient to determine the role of this variant in disease. Therefore, it has been classified as a Variant of Uncertain Significance.